The following is an entry in ClinVar:

ClinVar aggregate classification (germline): Uncertain significance (1 of 4 stars; one submission).

Conditions:
Neurofibromatosis, type 1 (NF1). Also called: NEUROFIBROMATOSIS, TYPE I, SOMATIC; Peripheral type neurofibromatosis; VON RECKLINGHAUSEN DISEASE; Neurofibromatosis, type I. Identifiers: Orphanet 636, MedGen C0027831, MONDO:0018975, OMIM 162200. Disease mechanism: loss of function.

Submission:

Labcorp Genetics (formerly Invitae), Labcorp
Classification: Uncertain significance for Neurofibromatosis, type 1. Last evaluated: 2020-07-15. Review status: criteria provided, single submitter. Criteria: Invitae Variant Classification Sherloc (09022015). Collection method: clinical testing. Allele origin: germline.
Comment: This sequence change replaces isoleucine with threonine at codon 941 of the NF1 protein (p.Ile941Thr). The isoleucine residue is highly conserved and there is a moderate physicochemical difference between isoleucine and threonine. In summary, the available evidence is currently insufficient to determine the role of this variant in disease. Therefore, it has been classified as a Variant of Uncertain Significance. Algorithms developed to predict the effect of missense changes on protein structure and function are either unavailable or do not agree on the potential impact of this missense change (SIFT: "Deleterious"; PolyPhen-2: "Probably Damaging"; Align-GVGD: "Class C0"). This variant has not been reported in the literature in individuals with NF1-related conditions. This variant is not present in population databases (ExAC no frequency).

NM_001042492.3(NF1):c.2822T>C (p.Ile941Thr)

Gene: NF1 (neurofibromin 1; plus strand). Cytogenetic location: 17q11.2.
Variant type: single nucleotide variant.
Coding change: c.2822T>C on transcript NM_001042492.3 (MANE Select); coding-DNA position 2822, T replaced by C.
Protein change: p.Ile941Thr; replaces isoleucine 941 with threonine.
Molecular consequence: missense variant.
Genome position (GRCh38, 1-based): chr17:31,229,437, T>C. VCF-style: chr17-31229437-T-C. GRCh37 (hg19) VCF-style: chr17-29556455-T-C.
Other names: c.2822T>C, p.Ile941Thr (NM_000267.4); short protein forms I941T.
Identifiers: ClinVar variation 1007726 (VCV001007726.5), dbSNP rs2067074387, ClinGen allele CA398985794.